The following is an entry in ClinVar:

ClinVar aggregate classification (germline): Uncertain significance. Review status: criteria provided, single submitter (1 of 4 stars). 2 submissions from 2 submitters: Uncertain significance (1). 1 of the submissions does not count toward it. Last evaluated 2020-01-16.

Conditions:
Classic homocystinuria. Also called: Homocystinuria due to Cystathionine Beta-Synthase Deficiency; HOMOCYSTINURIA WITH OR WITHOUT RESPONSE TO PYRIDOXINE; Homocystinuria due to CBS deficiency; Cystathionine beta-synthase deficiency; CBS deficiency. Identifiers: Orphanet 394, MedGen C0751202, MONDO:0009352, OMIM 236200.

Submissions (2):

ARUP Laboratories, Molecular Genetics and Genomics, ARUP Laboratories
Classification: Uncertain significance. Last evaluated: 2020-01-16. Review status: criteria provided, single submitter. Criteria: ARUP Molecular Germline Variant Investigation Process. Collection method: clinical testing. Allele origin: germline.
Comment: The CBS c.170G>A; p.Gly57Asp variant (rs1295461215), to our knowledge, is not reported in the medical literature or gene-specific databases. This variant is also absent from general population databases (Exome Variant Server, Genome Aggregation Database), indicating it is not a common polymorphism. The glycine at codon 57 is moderately conserved, and computational analyses (SIFT, PolyPhen-2) predict that this variant is tolerated. However, due to limited information, the clinical significance of the p.Gly57Asp variant is uncertain at this time.

Natera, Inc.
Classification: Uncertain significance for Homocystinuria due to cystathionine beta-synthase deficiency. Last evaluated: 2021-01-29. Review status: no assertion criteria provided. Collection method: clinical testing. Allele origin: germline. Not counted in ClinVar's aggregate classification.

NM_000071.3(CBS):c.170G>A (p.Gly57Asp)

Gene: CBS (cystathionine beta-synthase; minus strand). Cytogenetic location: 21q22.3.
Variant type: single nucleotide variant.
Coding change: c.170G>A on transcript NM_000071.3 (MANE Select); coding-DNA position 170, G replaced by A.
Protein change: p.Gly57Asp; replaces glycine 57 with aspartic acid.
Molecular consequence: missense variant.
Genome position (GRCh38, 1-based): chr21:43,072,024, C>T on the plus strand (G>A on the coding strand, the complement: CBS is on the minus strand). VCF-style: chr21-43072024-C-T. GRCh37 (hg19) VCF-style: chr21-44492134-C-T.
Other names: c.170G>A, p.Gly57Asp (NM_001178008.3, NM_001178009.3, NM_001320298.2); short protein forms G57D.
Identifiers: ClinVar variation 994049 (VCV000994049.9), dbSNP rs1295461215, ClinGen allele CA410602299.
Genomic context (GRCh38, chr21:43,072,024, plus strand): 5'-GTGATCAAAAGCAGGACTTACGGGGCAGTGTGGTGATGTGGGGACTCGGAGGCAGGCCGG[C>T]CCAGCTGCCAGGTGCACCTGCTCGGAGCATCGGGCCGGATCCACAGGGGCTCCTTGGCTT-3'
Protein context (NP_000062.1, residues 47-67): DAPSRCTWQL[Gly57Asp]RPASESPHHH